The following is an entry in ClinVar:

NM_001077415.3(CRELD1):c.1049-323G>A

Gene: CRELD1 (CRELD disulfide isomerase 1; plus strand). Cytogenetic location: 3p25.3.
Variant type: single nucleotide variant.
Coding change: c.1049-323G>A on transcript NM_001077415.3 (MANE Select); 323 bases into the intron before coding-DNA position 1049, G replaced by A.
Molecular consequence: intron variant. On other transcripts: missense variant (3).
Genome position (GRCh38, 1-based): chr3:9,944,042, G>A. VCF-style: chr3-9944042-G-A. GRCh37 (hg19) VCF-style: chr3-9985726-G-A.
Other names: c.1189G>A, p.Ala397Thr (NM_001031717.4); c.1201G>A, p.Ala401Thr (NM_001374317.1, NM_001374318.1); c.965-323G>A (NM_001374319.1, NM_001374320.1); c.1049-323G>A (NM_001374316.1, NM_015513.6); short protein forms A397T, A401T.
Identifiers: ClinVar variation 1002300 (VCV001002300.5), dbSNP rs372453922, ClinGen allele CA2247951.

ClinVar aggregate classification (germline): Uncertain significance (1 of 4 stars; one submission).

Conditions:
Atrioventricular septal defect, susceptibility to, 2. Identifiers: MedGen C1853508, MONDO:0011650, OMIM 606217.

Allele frequency attached by ClinVar (database versions not stated): gnomAD 0.00001; TOPMed 0.00002; ESP Exome Variant Server 0.00008.
gnomAD v4.1: 22 of 825,430 alleles (0.0027%); highest among the groups gnomAD compares: Admixed American, 0.0085%; 1 homozygote.

Submission:

Labcorp Genetics (formerly Invitae), Labcorp
Classification: Uncertain significance for Atrioventricular septal defect, susceptibility to, 2. Last evaluated: 2020-03-20. Review status: criteria provided, single submitter. Criteria: Invitae Variant Classification Sherloc (09022015). Collection method: clinical testing. Allele origin: germline.
Comment: This sequence change replaces alanine with threonine at codon 397 of the CRELD1 protein (p.Ala397Thr). The alanine residue is highly conserved and there is a small physicochemical difference between alanine and threonine. This variant is present in population databases (rs372453922, ExAC 0.003%). This variant has not been reported in the literature in individuals with CRELD1-related conditions. Algorithms developed to predict the effect of missense changes on protein structure and function output the following: SIFT: "Deleterious"; PolyPhen-2: "Benign"; Align-GVGD: "Class C0". The threonine amino acid residue is found in multiple mammalian species, suggesting that this missense change does not adversely affect protein function. These predictions have not been confirmed by published functional studies and their clinical significance is uncertain. In summary, the available evidence is currently insufficient to determine the role of this variant in disease. Therefore, it has been classified as a Variant of Uncertain Significance.